The following is an entry in ClinVar:

NM_000051.4(ATM):c.7302A>T (p.Thr2434=)

Genes: C11orf65 (chromosome 11 open reading frame 65; minus strand), ATM (ATM serine/threonine kinase; plus strand). Cytogenetic location: 11q22.3.
Variant type: single nucleotide variant.
Coding change: c.7302A>T on transcript NM_000051.4 (MANE Select); coding-DNA position 7302, A replaced by T.
Protein change: p.Thr2434=; no amino-acid change (threonine 2434 retained).
Molecular consequence: synonymous variant. On other transcripts: intron variant (2).
Genome position (GRCh38, 1-based): chr11:108,329,233, A>T. VCF-style: chr11-108329233-A-T. GRCh37 (hg19) VCF-style: chr11-108199960-A-T.
Other names: c.7302A>T, p.Thr2434= (NM_001351834.2); c.641-20162T>A (NM_001330368.2); c.*38+5987T>A (NM_001351110.2).
Identifiers: ClinVar variation 918971 (VCV000918971.14), dbSNP rs752125292, ClinGen allele CA6266087.
Genomic context (GRCh38, chr11:108,329,233, plus strand): 5'-AGCTCTCCTGAAAAGAGCCAAAGAGGAAGTAGGTCTCCTTAGGGAACATAAAATTCAGAC[A>T]AACAGGTAACTAGGTTTCTACAAGTGACAATTTTATGTTCACCAGTTAACTGAGTGAGTG-3'
Protein context (NP_000042.3, residues 2424-2444): VGLLREHKIQ[Thr2434=]NRYTVKVQRE

ClinVar aggregate classification (germline): Benign/Likely benign. Review status: criteria provided, multiple submitters, no conflicts (2 of 4 stars). 5 submissions from 5 submitters: Benign (1); Likely benign (4). Last evaluated 2026-01-19.

Conditions:
Hereditary cancer-predisposing syndrome. Also called: Tumor predisposition; Neoplastic Syndromes, Hereditary; Hereditary neoplastic syndrome; Hereditary Cancer Syndrome. Identifiers: Orphanet 140162, MedGen C0027672, MeSH D009386, MONDO:0015356.
Familial cancer of breast. Also called: Hereditary breast cancer; hereditary breast carcinoma; BREAST CANCER, FAMILIAL. Identifiers: Orphanet 227535, MedGen C0346153, MONDO:0016419, OMIM 114480. Disease mechanism: loss of function.
Ataxia-telangiectasia syndrome (AT). Also called: Ataxia-telangiectasia, complementation group D; AT, COMPLEMENTATION GROUP C; ATAXIA-TELANGIECTASIA, COMPLEMENTATION GROUP A; ATAXIA-TELANGIECTASIA, FRESNO VARIANT; Ataxia-telangiectasia; Ataxia telangiectasia (A-T). Identifiers: Orphanet 100, MedGen C0004135, MONDO:0008840, OMIM 208900.

Allele frequency attached by ClinVar (database versions not stated): gnomAD exomes 0.00001; ExAC 0.00001.
gnomAD v4.1: 7 of 1,611,898 alleles (0.00043%); highest among the groups gnomAD compares: South Asian, 0.0077%; no homozygotes.

Submissions (5):

Labcorp Genetics (formerly Invitae), Labcorp
Classification: Likely benign for Ataxia-telangiectasia syndrome. Last evaluated: 2026-01-19. Review status: criteria provided, single submitter. Criteria: Invitae Variant Classification Sherloc (09022015). Collection method: clinical testing. Allele origin: germline.

Myriad Genetics, Inc.
Classification: Benign for Familial cancer of breast. Last evaluated: 2024-06-13. Review status: criteria provided, single submitter. Criteria: Myriad Autosomal Dominant, Autosomal Recessive and X-Linked Classification Criteria (2023). Collection method: clinical testing. Allele origin: unknown.
Comment: This variant is considered benign. This variant is a silent/synonymous amino acid change and it is not expected to impact splicing.

Department of Pathology and Laboratory Medicine, Sinai Health System
Classification: Likely benign for Familial cancer of breast. Last evaluated: 2024-01-09. Review status: criteria provided, single submitter. Criteria: ACMG Guidelines, 2015. Collection method: clinical testing. Allele origin: germline. Affected: yes.

Ambry Genetics
Classification: Likely benign for Hereditary cancer-predisposing syndrome. Last evaluated: 2020-02-15. Review status: criteria provided, single submitter. Criteria: Ambry Variant Classification Scheme 2023. Collection method: clinical testing. Allele origin: germline.

Color Diagnostics, LLC DBA Color Health
Classification: Likely benign for Hereditary cancer-predisposing syndrome. Last evaluated: 2018-12-01. Review status: criteria provided, single submitter. Criteria: ACMG Guidelines, 2015. Collection method: clinical testing. Allele origin: germline.